The following is an entry in ClinVar:

NM_006565.4(CTCF):c.122C>G (p.Pro41Arg)

Gene: CTCF (CCCTC-binding factor; plus strand). Cytogenetic location: 16q22.1.
Variant type: single nucleotide variant.
Coding change: c.122C>G on transcript NM_006565.4 (MANE Select); coding-DNA position 122, C replaced by G.
Protein change: p.Pro41Arg; replaces proline 41 with arginine.
Molecular consequence: missense variant. On other transcripts: intron variant (1).
Genome position (GRCh38, 1-based): chr16:67,610,954, C>G. VCF-style: chr16-67610954-C-G. GRCh37 (hg19) VCF-style: chr16-67644857-C-G.
Other names: c.122C>G, p.Pro41Arg (NM_001363916.2, NM_001438968.1, NM_001438969.1); c.-32-5791C>G (NM_001191022.2); short protein forms P41R.
Identifiers: ClinVar variation 4883261 (VCV004883261.2).

ClinVar aggregate classification (germline): Uncertain significance (1 of 4 stars; one submission).

Conditions:
CTCF-related neurodevelopmental disorder. Also called: Intellectual disability-feeding difficulties-developmental delay-microcephaly syndrome; INTELLECTUAL DEVELOPMENTAL DISORDER, AUTOSOMAL DOMINANT 21. Identifiers: Orphanet 363611, MedGen C3809686, MONDO:0014213, OMIM 615502.

gnomAD v4.1: 1 of 1,587,120 alleles (0.000063%); highest among the groups gnomAD compares: Non-Finnish European, 0.000086%; no homozygotes.

Submission:

Dasa
Classification: Uncertain significance for intellectual disability-feeding difficulties-developmental delay-microcephaly syndrome. Last evaluated: 2025-10-04. Review status: criteria provided, single submitter. Criteria: DASA Assertion Criteria. Collection method: clinical testing. Allele origin: germline.
Comment: NM_006565.4(CTCF):c.122C>G (p.Pro41Arg) is a missense variant that results in the substitution of proline with arginine. This variant is rare in population databases. Computational prediction algorithms are consistent with a benign effect. The currently available literature and clinical evidence are not sufficient to establish a definitive association between this variant and the reported condition. Therefore, this variant is classified as a variant of uncertain significance.